The following is an entry in ClinVar:

ClinVar aggregate classification (germline): Pathogenic (1 of 4 stars; one submission).

Conditions:
Marfan syndrome (MFS). Also called: MARFAN SYNDROME, TYPE I; Marfan syndrome type 1; Marfan's syndrome; Marfan syndrome, classic; FBN1-Related Marfan Syndrome. Identifiers: Orphanet 284963, Orphanet 558, MedGen C0024796, MONDO:0007947, OMIM 154700.
Familial thoracic aortic aneurysm and aortic dissection (TAAD). Also called: Thoracic aortic aneurysms and dissections. Identifiers: Orphanet 91387, MedGen C4707243, MONDO:0019625.

Submission:

Labcorp Genetics (formerly Invitae), Labcorp
Classification: Pathogenic for Marfan syndrome; Familial thoracic aortic aneurysm and aortic dissection. Last evaluated: 2023-05-18. Review status: criteria provided, single submitter. Criteria: Invitae Variant Classification Sherloc (09022015). Collection method: clinical testing. Allele origin: unknown.
Comment: For these reasons, this variant has been classified as Pathogenic. This variant disrupts a region of the FBN1 protein in which other variant(s) (p.His2816Pro) have been determined to be pathogenic (Invitae). This suggests that this is a clinically significant region of the protein, and that variants that disrupt it are likely to be disease-causing. This variant has not been reported in the literature in individuals affected with FBN1-related conditions. This variant is a gross deletion of the genomic region encompassing exon(s) 36-66 of the FBN1 gene, which includes the termination codon. This deletion extends beyond the assayed region for this gene and therefore may encompass additional genes. While this deletion is not anticipated to lead to nonsense mediated decay, it is expected to alter mRNA translation or result in a truncated protein product.

NC_000015.9:g.(?_48703187)_(48762973_?)del

Gene: FBN1 (fibrillin 1; minus strand). Cytogenetic location: 15q21.1.
Variant type: Deletion.
Identifiers: ClinVar variation 3243724 (VCV003243724.1).